The following is an entry in ClinVar:

NM_015466.4(PTPN23):c.2744C>T (p.Pro915Leu)

Gene: PTPN23 (protein tyrosine phosphatase non-receptor type 23; plus strand). Cytogenetic location: 3p21.31.
Variant type: single nucleotide variant.
Coding change: c.2744C>T on transcript NM_015466.4 (MANE Select); coding-DNA position 2744, C replaced by T.
Protein change: p.Pro915Leu; replaces proline 915 with leucine.
Molecular consequence: missense variant.
Genome position (GRCh38, 1-based): chr3:47,410,542, C>T. VCF-style: chr3-47410542-C-T. GRCh37 (hg19) VCF-style: chr3-47452032-C-T.
Other names: c.2366C>T, p.Pro789Leu (NM_001304482.2); c.2744C>T (NM_015466.2); short protein forms P789L, P915L.
Identifiers: ClinVar variation 1991893 (VCV001991893.2), dbSNP rs141350331, ClinGen allele CA2366114.

ClinVar aggregate classification (germline): Uncertain significance. Review status: criteria provided, multiple submitters, no conflicts (2 of 4 stars). 2 submissions from 2 submitters: Uncertain significance (2). Last evaluated 2024-05-28.

Conditions:
Inborn genetic diseases. Identifiers: MedGen C0950123, MeSH D030342.

Allele frequency attached by ClinVar (database versions not stated): gnomAD 0.00001; gnomAD exomes 0.00002; ExAC 0.00003; ESP Exome Variant Server 0.00015.
gnomAD v4.1: 29 of 1,611,376 alleles (0.0018%); highest among the groups gnomAD compares: East Asian, 0.0045%; no homozygotes.

Submissions (2):

Ambry Genetics
Classification: Uncertain significance for Inborn genetic diseases. Last evaluated: 2024-05-28. Review status: criteria provided, single submitter. Criteria: Ambry Variant Classification Scheme 2023. Collection method: clinical testing. Allele origin: germline.

Labcorp Genetics (formerly Invitae), Labcorp
Classification: Uncertain significance. Last evaluated: 2022-07-03. Review status: criteria provided, single submitter. Criteria: Invitae Variant Classification Sherloc (09022015). Collection method: clinical testing. Allele origin: germline.
Comment: This sequence change replaces proline, which is neutral and non-polar, with leucine, which is neutral and non-polar, at codon 915 of the PTPN23 protein (p.Pro915Leu). This variant is present in population databases (rs141350331, gnomAD 0.01%). This variant has not been reported in the literature in individuals affected with PTPN23-related conditions. Algorithms developed to predict the effect of missense changes on protein structure and function are either unavailable or do not agree on the potential impact of this missense change (SIFT: "Tolerated"; PolyPhen-2: "Not Available"; Align-GVGD: "Class C0"). In summary, the available evidence is currently insufficient to determine the role of this variant in disease. Therefore, it has been classified as a Variant of Uncertain Significance.